The following is an entry in ClinVar:

ClinVar aggregate classification (germline): Uncertain significance (1 of 4 stars; one submission).

Conditions:
Hereditary breast ovarian cancer syndrome. Also called: BRCA1- and BRCA2-Associated Hereditary Breast and Ovarian Cancer; Hereditary breast and ovarian cancer syndrome (HBOC); Hereditary breast and ovarian cancer syndrome; Hereditary breast and ovarian cancer; Breast and ovarian cancer; Hereditary breast and/or ovarian cancer syndrome. Identifiers: Orphanet 145, MedGen C0677776, MeSH D061325, MONDO:0003582. Disease mechanism: loss of function.

Submission:

Labcorp Genetics (formerly Invitae), Labcorp
Classification: Uncertain significance for Hereditary breast ovarian cancer syndrome. Last evaluated: 2021-11-15. Review status: criteria provided, single submitter. Criteria: Invitae Variant Classification Sherloc (09022015). Collection method: clinical testing. Allele origin: germline.
Comment: This sequence change replaces glutamic acid, which is acidic and polar, with aspartic acid, which is acidic and polar, at codon 7 of the BRCA2 protein (p.Glu7Asp). Advanced modeling of protein sequence and biophysical properties (such as structural, functional, and spatial information, amino acid conservation, physicochemical variation, residue mobility, and thermodynamic stability) performed at Invitae indicates that this missense variant is not expected to disrupt BRCA2 protein function. This variant is not present in population databases (gnomAD no frequency). This variant has not been reported in the literature in individuals affected with BRCA2-related conditions. In summary, the available evidence is currently insufficient to determine the role of this variant in disease. Therefore, it has been classified as a Variant of Uncertain Significance.

NM_000059.4(BRCA2):c.21G>T (p.Glu7Asp)

Gene: BRCA2 (BRCA2 DNA repair associated; plus strand). Cytogenetic location: 13q13.1.
Variant type: single nucleotide variant.
Coding change: c.21G>T on transcript NM_000059.4 (MANE Select); coding-DNA position 21, G replaced by T.
Protein change: p.Glu7Asp; replaces glutamic acid 7 with aspartic acid.
Molecular consequence: missense variant.
Genome position (GRCh38, 1-based): chr13:32,316,481, G>T. VCF-style: chr13-32316481-G-T. GRCh37 (hg19) VCF-style: chr13-32890618-G-T.
Other names: short protein forms E7D.
Identifiers: ClinVar variation 1393401 (VCV001393401.6), dbSNP rs1593880678, ClinGen allele CA387752960.